The following is an entry in ClinVar:

NM_001122752.2(SERPINI1):c.62_66dup (p.Glu23fs)

Gene: SERPINI1 (serpin family I member 1; plus strand). Cytogenetic location: 3q26.1.
Variant type: Duplication.
Coding change: c.62_66dup on transcript NM_001122752.2 (MANE Select); coding-DNA positions 62 to 66, 5 bases duplicated (TCCCT; older notation c.62_66dupTCCCT).
Protein change: p.Glu23fs; shifts the reading frame from glutamic acid 23.
Molecular consequence: frameshift variant.
Genome position (GRCh38, 1-based): chr3:167,789,190-167,789,194, TCCCT duplicated; duplicating any 5 consecutive bases within chr3:167,789,189-167,789,194 gives the same sequence; the c. name uses the placement nearest the transcript's 3' end. VCF-style (leftmost placement, unchanged base first): chr3-167789188-T-TTTCCC. GRCh37 (hg19) VCF-style: chr3-167506976-T-TTTCCC.
Other names: c.62_66dup, p.Glu23fs (NM_005025.5); short protein forms E23fs.
Identifiers: ClinVar variation 955135 (VCV000955135.7), dbSNP rs1727413504, ClinGen allele CA1139658335.

ClinVar aggregate classification (germline): Uncertain significance (1 of 4 stars; one submission).

Conditions:
Familial encephalopathy with neuroserpin inclusion bodies. Also called: ENCEPHALOPATHY, FAMILIAL, WITH COLLINS BODIES. Identifiers: Orphanet 85110, MedGen C1858680, MONDO:0011412, OMIM 604218.

Submission:

Labcorp Genetics (formerly Invitae), Labcorp
Classification: Uncertain significance for Familial encephalopathy with neuroserpin inclusion bodies. Last evaluated: 2023-05-22. Review status: criteria provided, single submitter. Criteria: Invitae Variant Classification Sherloc (09022015). Collection method: clinical testing. Allele origin: germline.
Comment: In summary, the available evidence is currently insufficient to determine the role of this variant in disease. Therefore, it has been classified as a Variant of Uncertain Significance. ClinVar contains an entry for this variant (Variation ID: 955135). This variant has not been reported in the literature in individuals affected with SERPINI1-related conditions. This variant is not present in population databases (gnomAD no frequency). This sequence change creates a premature translational stop signal (p.Glu23Serfs*11) in the SERPINI1 gene. It is expected to result in an absent or disrupted protein product. However, the current clinical and genetic evidence is not sufficient to establish whether loss-of-function variants in SERPINI1 cause disease.